The following is an entry in ClinVar:

NM_018136.5(ASPM):c.7551T>C (p.Tyr2517=)

Gene: ASPM (assembly factor for spindle microtubules; minus strand). Cytogenetic location: 1q31.3.
Variant type: single nucleotide variant.
Coding change: c.7551T>C on transcript NM_018136.5 (MANE Select); coding-DNA position 7551, T replaced by C.
Protein change: p.Tyr2517=; no amino-acid change (tyrosine 2517 retained).
Molecular consequence: synonymous variant. On other transcripts: intron variant (1).
Genome position (GRCh38, 1-based): chr1:197,101,700, A>G on the plus strand (T>C on the coding strand, the complement: ASPM is on the minus strand). VCF-style: chr1-197101700-A-G. GRCh37 (hg19) VCF-style: chr1-197070830-A-G.
Other names: c.4066-5536T>C (NM_001206846.2).
Identifiers: ClinVar variation 157870 (VCV000157870.61), dbSNP rs149228705, ClinGen allele CA271099.

ClinVar aggregate classification (germline): Conflicting classifications of pathogenicity. Review status: criteria provided, conflicting classifications (1 of 4 stars). 7 submissions from 7 submitters: Uncertain significance (3); Likely benign (4). Last evaluated 2026-02-01.

Conditions:
Microcephaly 5, primary, autosomal recessive (MCPH5). Also called: ASPM Primary Microcephaly. Identifiers: Orphanet 2512, MedGen C1837501, MONDO:0012106, OMIM 608716.

Allele frequency attached by ClinVar (database versions not stated): 1000 Genomes Project 0.00020; 1000 Genomes Project 30x 0.00031; ESP Exome Variant Server 0.00031; TOPMed 0.00040; gnomAD 0.00041.
gnomAD v4.1: 759 of 1,612,040 alleles (0.047%); highest among the groups gnomAD compares: Middle Eastern, 1.2%; 4 homozygotes.

Submissions (7):

CeGaT Center for Human Genetics Tuebingen
Classification: Likely benign. Last evaluated: 2026-02-01. Review status: criteria provided, single submitter. Criteria: CeGaT Center For Human Genetics Tuebingen Variant Classification Criteria Version 2. Collection method: clinical testing. Allele origin: germline. Affected: yes. Observed: 4 variant alleles.
Comment: ASPM: BP4, BP7

Labcorp Genetics (formerly Invitae), Labcorp
Classification: Likely benign. Last evaluated: 2025-12-20. Review status: criteria provided, single submitter. Criteria: Invitae Variant Classification Sherloc (09022015). Collection method: clinical testing. Allele origin: germline.

Blueprint Genetics
Classification: Likely benign. Last evaluated: 2024-10-02. Review status: criteria provided, single submitter. Criteria: ACMG Guidelines, 2015. Collection method: clinical testing. Allele origin: germline.

Illumina Laboratory Services, Illumina
Classification: Uncertain significance for Microcephaly 5, primary, autosomal recessive. Last evaluated: 2018-01-13. Review status: criteria provided, single submitter. Criteria: ICSL Variant Classification Criteria 13 December 2019. Collection method: clinical testing. Allele origin: germline.

GeneDx
Classification: Likely benign. Last evaluated: 2017-06-20. Review status: criteria provided, single submitter. Criteria: GeneDx Variant Classification (06012015). Collection method: clinical testing. Allele origin: germline. Affected: yes.
Comment: This variant is considered likely benign or benign based on one or more of the following criteria: it is a conservative change, it occurs at a poorly conserved position in the protein, it is predicted to be benign by multiple in silico algorithms, and/or has population frequency not consistent with disease.

Eurofins Ntd Llc (ga)
Classification: Uncertain significance. Last evaluated: 2016-04-08. Review status: criteria provided, single submitter. Criteria: EGL Classification Definitions 2015. Collection method: clinical testing. Allele origin: germline. Observed: 1 variant allele, 1 heterozygote.

Genetic Services Laboratory, University of Chicago
Classification: Uncertain significance for Microcephaly 5, primary, autosomal recessive. Last evaluated: 2013-02-08. Review status: criteria provided, single submitter. Criteria: ACMG Guidelines, 2007. Collection method: clinical testing. Allele origin: germline. Inheritance: Autosomal recessive inheritance.